The following is an entry in ClinVar:

NM_001378454.1(ALMS1):c.2761A>G (p.Thr921Ala)

Gene: ALMS1 (ALMS1 centrosome and basal body associated protein; plus strand). Cytogenetic location: 2p13.1.
Variant type: single nucleotide variant.
Coding change: c.2761A>G on transcript NM_001378454.1 (MANE Select); coding-DNA position 2761, A replaced by G.
Protein change: p.Thr921Ala; replaces threonine 921 with alanine.
Molecular consequence: missense variant.
Genome position (GRCh38, 1-based): chr2:73,449,288, A>G. VCF-style: chr2-73449288-A-G. GRCh37 (hg19) VCF-style: chr2-73676415-A-G.
Other names: c.2764A>G, p.Thr922Ala (NM_015120.4); short protein forms T921A, T922A.
Identifiers: ClinVar variation 2145202 (VCV002145202.2), dbSNP rs984516944, ClinGen allele CA50391925.

ClinVar aggregate classification (germline): Conflicting classifications of pathogenicity. Review status: criteria provided, conflicting classifications (1 of 4 stars). 2 submissions from 2 submitters: Uncertain significance (1); Likely benign (1). Last evaluated 2025-12-16.

Conditions:
Alstrom syndrome (ALMS). Identifiers: Orphanet 64, MedGen C0268425, MONDO:0008763, OMIM 203800.
Cardiovascular phenotype. Identifiers: MedGen CN230736.

Allele frequency attached by ClinVar (database versions not stated): gnomAD exomes below 0.00001; TOPMed below 0.00001.
gnomAD v4.1: 2 of 1,613,544 alleles (0.00012%); highest among the groups gnomAD compares: Non-Finnish European, 0.00017%; no homozygotes.

Submissions (2):

Ambry Genetics
Classification: Likely benign for Cardiovascular phenotype. Last evaluated: 2025-12-16. Review status: criteria provided, single submitter. Criteria: Ambry Variant Classification Scheme 2023. Collection method: clinical testing. Allele origin: germline.

Labcorp Genetics (formerly Invitae), Labcorp
Classification: Uncertain significance for Alstrom syndrome. Last evaluated: 2022-08-30. Review status: criteria provided, single submitter. Criteria: Invitae Variant Classification Sherloc (09022015). Collection method: clinical testing. Allele origin: germline.
Comment: This sequence change replaces threonine, which is neutral and polar, with alanine, which is neutral and non-polar, at codon 922 of the ALMS1 protein (p.Thr922Ala). This variant is not present in population databases (gnomAD no frequency). This variant has not been reported in the literature in individuals affected with ALMS1-related conditions. Experimental studies and prediction algorithms are not available or were not evaluated, and the functional significance of this variant is currently unknown. In summary, the available evidence is currently insufficient to determine the role of this variant in disease. Therefore, it has been classified as a Variant of Uncertain Significance.